The following is an entry in ClinVar:

ClinVar aggregate classification (germline): Likely benign (1 of 4 stars; one submission).

gnomAD v4.1: 67 of 1,613,982 alleles (0.0042%); highest among the groups gnomAD compares: South Asian, 0.032%; 1 homozygote.

Submission:

CeGaT Center for Human Genetics Tuebingen
Classification: Likely benign. Last evaluated: 2026-03-01. Review status: criteria provided, single submitter. Criteria: CeGaT Center For Human Genetics Tuebingen Variant Classification Criteria Version 2. Collection method: clinical testing. Allele origin: germline. Affected: yes. Observed: 1 variant allele.
Comment: NDST1: BP4, BP7

NM_001543.5(NDST1):c.678G>A (p.Thr226=)

Gene: NDST1 (N-deacetylase and N-sulfotransferase 1; plus strand). Cytogenetic location: 5q33.1.
Variant type: single nucleotide variant.
Coding change: c.678G>A on transcript NM_001543.5 (MANE Select); coding-DNA position 678, G replaced by A.
Protein change: p.Thr226=; no amino-acid change (threonine 226 retained).
Molecular consequence: synonymous variant.
Genome position (GRCh38, 1-based): chr5:150,527,968, G>A. VCF-style: chr5-150527968-G-A. GRCh37 (hg19) VCF-style: chr5-149907530-G-A.
Other names: c.678G>A, p.Thr226= (NM_001301063.2).
Identifiers: ClinVar variation 4820865 (VCV004820865.4).